The following is an entry in ClinVar:

ClinVar aggregate classification (germline): Benign. Review status: criteria provided, multiple submitters, no conflicts (2 of 4 stars). 10 submissions from 10 submitters: Benign (8). 2 of the submissions do not count toward it. Last evaluated 2026-02-04.

Conditions:
Osteogenesis imperfecta type 10 (OI10). Also called: OI, TYPE X. Identifiers: Orphanet 666, MedGen C3151211, MONDO:0013459, OMIM 613848.

Allele frequency attached by ClinVar (database versions not stated): 1000 Genomes Project 0.88998; gnomAD exomes 0.89216 and 0.89868; 1000 Genomes Project 30x 0.89460; ExAC 0.89952; TOPMed 0.90986; ESP Exome Variant Server 0.91301; gnomAD 0.91381 and 0.91533.
gnomAD v4.1: 1,439,002 of 1,609,348 alleles (89%); highest among the groups gnomAD compares: African/African-American, 95%; 644,442 homozygotes.

Submissions (10):

Labcorp Genetics (formerly Invitae), Labcorp
Classification: Benign. Last evaluated: 2026-02-04. Review status: criteria provided, single submitter. Criteria: Invitae Variant Classification Sherloc (09022015). Collection method: clinical testing. Allele origin: germline.

Blueprint Genetics
Classification: Benign. Last evaluated: 2024-11-27. Review status: criteria provided, single submitter. Criteria: ACMG Guidelines, 2015. Collection method: clinical testing. Allele origin: germline.

Mayo Clinic Laboratories, Mayo Clinic
Classification: Benign. Last evaluated: 2022-04-26. Review status: criteria provided, single submitter. Criteria: ACMG Guidelines, 2015. Collection method: clinical testing. Allele origin: germline. Observed: 124 variant alleles.

Genome-Nilou Lab
Classification: Benign for Osteogenesis imperfecta type 10. Last evaluated: 2021-07-15. Review status: criteria provided, single submitter. Criteria: ACMG Guidelines, 2015. Collection method: clinical testing. Allele origin: germline. Affected: no.

Illumina Laboratory Services, Illumina
Classification: Benign for Osteogenesis imperfecta type 10. Last evaluated: 2018-01-12. Review status: criteria provided, single submitter. Criteria: ICSL Variant Classification Criteria 13 December 2019. Collection method: clinical testing. Allele origin: germline.
Comment: This variant was observed in the ICSL laboratory as part of a predisposition screen in an ostensibly healthy population. It had not been previously curated by ICSL or reported in the Human Gene Mutation Database (HGMD: prior to June 1st, 2018), and was therefore a candidate for classification through an automated scoring system. Utilizing variant allele frequency, disease prevalence and penetrance estimates, and inheritance mode, an automated score was calculated to assess if this variant is too frequent to cause the disease. Based on the score and internal cut-off values, a variant classified as benign is not then subjected to further curation. The score for this variant resulted in a classification of benign for this disease.

GeneDx
Classification: Benign. Last evaluated: 2017-06-09. Review status: criteria provided, single submitter. Criteria: GeneDx Variant Classification (06012015). Collection method: clinical testing. Allele origin: germline. Affected: yes.
Comment: This variant is considered likely benign or benign based on one or more of the following criteria: it is a conservative change, it occurs at a poorly conserved position in the protein, it is predicted to be benign by multiple in silico algorithms, and/or has population frequency not consistent with disease.

Eurofins Ntd Llc (ga)
Classification: Benign. Last evaluated: 2015-03-30. Review status: criteria provided, single submitter. Criteria: EGL Classification Definitions 2015. Collection method: clinical testing. Allele origin: germline. Observed: 2 variant alleles, 2 homozygotes.

Breakthrough Genomics
Classification: Benign. Review status: criteria provided, single submitter. Criteria: ACMG Guidelines, 2015. Collection method: not provided. Allele origin: germline. Inheritance: Multifactorial inheritance. Affected: yes.

Diagnostic Laboratory, Department of Genetics, University Medical Center Groningen
Classification: Benign. Review status: no assertion criteria provided. Collection method: clinical testing. Allele origin: germline. Affected: yes. Study: VKGL Data-share Consensus. Not counted in ClinVar's aggregate classification.

Genome Diagnostics Laboratory, Amsterdam University Medical Center
Classification: Benign. Review status: no assertion criteria provided. Collection method: clinical testing. Allele origin: germline. Affected: yes. Study: VKGL Data-share Consensus. Not counted in ClinVar's aggregate classification.

NM_001235.5(SERPINH1):c.234A>G (p.Leu78=)

Gene: SERPINH1 (serpin family H member 1; plus strand). Cytogenetic location: 11q13.5.
Variant type: single nucleotide variant.
Coding change: c.234A>G on transcript NM_001235.5 (MANE Select); coding-DNA position 234, A replaced by G.
Protein change: p.Leu78=; no amino-acid change (leucine 78 retained).
Molecular consequence: synonymous variant.
Genome position (GRCh38, 1-based): chr11:75,566,583, A>G. VCF-style: chr11-75566583-A-G. GRCh37 (hg19) VCF-style: chr11-75277628-A-G.
Other names: p.Leu78=; c.234A>G, p.Leu78= (NM_001207014.3); c.234A>G (NM_001235.4).
Identifiers: ClinVar variation 195141 (VCV000195141.25), dbSNP rs584961, ClinGen allele CA201594.